The following is an entry in ClinVar:

NM_001395159.1(UNC79):c.2601C>A (p.Cys867Ter)

Gene: UNC79 (unc-79 subunit of NALCN channel complex; plus strand). Cytogenetic location: 14q32.12.
Variant type: single nucleotide variant.
Coding change: c.2601C>A on transcript NM_001395159.1 (MANE Select); coding-DNA position 2601, C replaced by A.
Protein change: p.Cys867Ter; replaces cysteine 867 with a stop codon.
Molecular consequence: nonsense.
Genome position (GRCh38, 1-based): chr14:93,580,316, C>A. VCF-style: chr14-93580316-C-A. GRCh37 (hg19) VCF-style: chr14-94046662-C-A.
Other names: c.2601C>A, p.Cys867Ter (NM_001346218.2); c.2070C>A, p.Cys690Ter (NM_020818.5); short protein forms C690*, C867*.
Identifiers: ClinVar variation 4278632 (VCV004278632.1).

ClinVar aggregate classification (germline): Pathogenic (1 of 4 stars; one submission).

Submission:

GeneDx
Classification: Pathogenic. Last evaluated: 2024-09-30. Review status: criteria provided, single submitter. Criteria: GeneDx Variant Classification Process June 2021. Collection method: clinical testing. Allele origin: germline. Affected: yes.
Comment: Nonsense variant predicted to result in protein truncation or nonsense mediated decay in a gene for which loss of function is a known mechanism of disease; Not observed at significant frequency in large population cohorts (gnomAD); This variant is associated with the following publications: (PMID: 37183800)